The following is an entry in ClinVar:

NM_001126108.2(SLC12A3):c.685G>A (p.Val229Met)

Gene: SLC12A3 (solute carrier family 12 member 3; plus strand). Cytogenetic location: 16q13.
Variant type: single nucleotide variant.
Coding change: c.685G>A on transcript NM_001126108.2 (MANE Select); coding-DNA position 685, G replaced by A.
Protein change: p.Val229Met; replaces valine 229 with methionine.
Molecular consequence: missense variant.
Genome position (GRCh38, 1-based): chr16:56,870,179, G>A. VCF-style: chr16-56870179-G-A. GRCh37 (hg19) VCF-style: chr16-56904091-G-A.
Other names: c.685G>A (NM_000339.2); c.685G>A, p.Val229Met (NM_000339.3); c.682G>A, p.Val228Met (NM_001126107.2, NM_001410896.1); short protein forms V228M, V229M.
Identifiers: ClinVar variation 3580973 (VCV003580973.2).

ClinVar aggregate classification (germline): Uncertain significance. Review status: criteria provided, multiple submitters, no conflicts (2 of 4 stars). 2 submissions from 2 submitters: Uncertain significance (2). Last evaluated 2026-05-29.

Conditions:
Inborn genetic diseases. Identifiers: MedGen C0950123, MeSH D030342.
Familial hypokalemia-hypomagnesemia (GTLMNS). Also called: HYPOMAGNESEMIA-HYPOKALEMIA, PRIMARY RENOTUBULAR, WITH HYPOCALCIURIA; POTASSIUM AND MAGNESIUM DEPLETION; gitelman syndrome. Identifiers: Orphanet 358, MedGen C0268450, MONDO:0009904, OMIM 263800.

Submissions (2):

Ambry Genetics
Classification: Uncertain significance for Inborn genetic diseases. Last evaluated: 2026-05-29. Review status: criteria provided, single submitter. Criteria: Ambry Variant Classification Scheme 2023. Collection method: clinical testing. Allele origin: germline.
Comment: The c.685G>A (p.V229M) alteration is located in exon 5 (coding exon 5) of the SLC12A3 gene. This alteration results from a G to A substitution at nucleotide position 685, causing the valine (V) at amino acid position 229 to be replaced by a methionine (M). Based on data from gnomAD, the A allele has an overall frequency of 0.005% (13/251278) total alleles studied. Based on insufficient or conflicting evidence, the clinical significance of this alteration remains unclear.

Fulgent Genetics
Classification: Uncertain significance for Familial hypokalemia-hypomagnesemia. Last evaluated: 2024-01-13. Review status: criteria provided, single submitter. Criteria: ACMG Guidelines, 2015. Collection method: clinical testing. Allele origin: germline.